The following is an entry in ClinVar:

NM_006939.4(SOS2):c.2958+197G>T

Gene: SOS2 (SOS Ras/Rho guanine nucleotide exchange factor 2; minus strand). Cytogenetic location: 14q21.3.
Variant type: single nucleotide variant.
Coding change: c.2958+197G>T on transcript NM_006939.4 (MANE Select); 197 bases into the intron after coding-DNA position 2958, G replaced by T.
Molecular consequence: intron variant.
Genome position (GRCh38, 1-based): chr14:50,138,415, C>A on the plus strand (G>T on the coding strand, the complement: SOS2 is on the minus strand). VCF-style: chr14-50138415-C-A. GRCh37 (hg19) VCF-style: chr14-50605133-C-A.
Identifiers: ClinVar variation 561617 (VCV000561617.1), dbSNP rs145761373, ClinGen allele CA260719090.
Genomic context (GRCh38, chr14:50,138,415, plus strand): 5'-TTCGCCATGCTGCCCAGGCTGGTCTCCAACTCCTGATCTCAAGCGATCCGCCCGCCTTGG[C>A]CTCCCAAAGTGCTGGGATTACAGGCGTGAGCCACAGTGCCTGGCCTCTTACAGTTACTTT-3'

ClinVar aggregate classification (germline): Likely benign (1 of 4 stars; one submission).

Allele frequency attached by ClinVar (database versions not stated): gnomAD 0.02867 and 0.02966; 1000 Genomes Project 0.01038; 1000 Genomes Project 30x 0.01046; TOPMed 0.02694.
gnomAD v4.1: 4,367 of 152,220 alleles (2.9%); highest among the groups gnomAD compares: Non-Finnish European, 4.7%; 90 homozygotes.

Submission:

GeneDx
Classification: Likely benign. Last evaluated: 2018-06-19. Review status: criteria provided, single submitter. Criteria: GeneDx Variant Classification (06012015). Collection method: clinical testing. Allele origin: germline. Affected: yes.
Comment: This variant is considered likely benign or benign based on one or more of the following criteria: it is a conservative change, it occurs at a poorly conserved position in the protein, it is predicted to be benign by multiple in silico algorithms, and/or has population frequency not consistent with disease.